The following is an entry in ClinVar:

NM_003638.3(ITGA8):c.2982+3_2982+6del

Gene: ITGA8 (integrin subunit alpha 8; minus strand). Cytogenetic location: 10p13.
Variant type: Deletion.
Coding change: c.2982+3_2982+6del on transcript NM_003638.3 (MANE Select); bases 3 to 6 of the intron after coding-DNA position 2982, 4 bases deleted (GAGT; older notation c.2982+3_2982+6delGAGT).
Molecular consequence: splice donor variant.
Genome position (GRCh38, 1-based): chr10:15,531,044-15,531,047, ACTC deleted on the plus strand (GAGT on the coding strand, the reverse complement: ITGA8 is on the minus strand); deleting any 4 consecutive bases within chr10:15,531,044-15,531,050 gives the same sequence; the c. name uses the placement nearest the transcript's 3' end. VCF-style (leftmost placement, unchanged base first): chr10-15531043-TACTC-T. GRCh37 (hg19) VCF-style: chr10-15573042-TACTC-T.
Other names: c.2937+3_2937+6del (NM_001291494.2).
Identifiers: ClinVar variation 1505714 (VCV001505714.6), dbSNP rs1349656298, ClinGen allele CA662212131.

ClinVar aggregate classification (germline): Uncertain significance (1 of 4 stars; one submission).

Submission:

Labcorp Genetics (formerly Invitae), Labcorp
Classification: Uncertain significance. Last evaluated: 2021-07-16. Review status: criteria provided, single submitter. Criteria: Invitae Variant Classification Sherloc (09022015). Collection method: clinical testing. Allele origin: germline.
Comment: In summary, the available evidence is currently insufficient to determine the role of this variant in disease. Therefore, it has been classified as a Variant of Uncertain Significance. Nucleotide substitutions within the consensus splice site are a relatively common cause of aberrant splicing (PMID: 17576681, 9536098). Algorithms developed to predict the effect of sequence changes on RNA splicing suggest that this variant may disrupt the consensus splice site. This variant has not been reported in the literature in individuals affected with ITGA8-related conditions. This variant is not present in population databases (ExAC no frequency). This sequence change falls in intron 28 of the ITGA8 gene. It does not directly change the encoded amino acid sequence of the ITGA8 protein. It affects a nucleotide within the consensus splice site of the intron.

Literature cited by the submitters: PubMed 17576681; PubMed 9536098.